The following is an entry in ClinVar:

ClinVar aggregate classification (germline): Benign/Likely benign. Review status: criteria provided, multiple submitters, no conflicts (2 of 4 stars). 9 submissions from 9 submitters: Benign (1); Likely benign (8). Last evaluated 2026-08-01.

Conditions:
Hereditary cancer-predisposing syndrome. Also called: Hereditary neoplastic syndrome; Tumor predisposition; Neoplastic Syndromes, Hereditary; Hereditary Cancer Syndrome. Identifiers: Orphanet 140162, MedGen C0027672, MeSH D009386, MONDO:0015356.
Microcephaly, normal intelligence and immunodeficiency (NBS). Also called: Immunodeficiency, microcephaly with normal intelligence; Ataxia telangiectasia variant V1; IMMUNODEFICIENCY, MICROCEPHALY, AND CHROMOSOMAL INSTABILITY; Microcephaly with normal intelligence immunodeficiency and lymphoreticular malignancies; Nonsyndromal microcephaly autosomal recessive with normal intelligence; Seemanova syndrome 2. Identifiers: Orphanet 647, MedGen C0398791, MONDO:0009623, OMIM 251260.

Allele frequency attached by ClinVar (database versions not stated): ExAC 0.00002; gnomAD exomes 0.00006 and 0.00007; TOPMed 0.00008; gnomAD 0.00009; ESP Exome Variant Server 0.00015.

Submissions (9):

CeGaT Center for Human Genetics Tuebingen
Classification: Likely benign. Last evaluated: 2026-08-01. Review status: criteria provided, single submitter. Criteria: CeGaT Center For Human Genetics Tuebingen Variant Classification Criteria Version 2. Collection method: clinical testing. Allele origin: germline. Affected: yes. Observed: 1 variant allele.
Comment: NBN: BP4, BP7

Labcorp Genetics (formerly Invitae), Labcorp
Classification: Likely benign for Microcephaly, normal intelligence and immunodeficiency. Last evaluated: 2025-12-21. Review status: criteria provided, single submitter. Criteria: Invitae Variant Classification Sherloc (09022015). Collection method: clinical testing. Allele origin: germline.

ARUP Laboratories, Molecular Genetics and Genomics, ARUP Laboratories
Classification: Likely benign. Last evaluated: 2025-07-08. Review status: criteria provided, single submitter. Criteria: ARUP Molecular Germline Variant Investigation Process 2024. Collection method: clinical testing. Allele origin: germline.

Quest Diagnostics Nichols Institute San Juan Capistrano
Classification: Likely benign. Last evaluated: 2023-09-16. Review status: criteria provided, single submitter. Criteria: Quest Diagnostics criteria. Collection method: clinical testing. Allele origin: unknown.

Institute for Biomarker Research, Medical Diagnostic Laboratories, L.L.C.
Classification: Likely benign for Hereditary cancer-predisposing syndrome. Last evaluated: 2022-08-18. Review status: criteria provided, single submitter. Criteria: ACMG Guidelines, 2015. Collection method: clinical testing. Allele origin: germline.

Blueprint Genetics
Classification: Likely benign. Last evaluated: 2022-08-08. Review status: criteria provided, single submitter. Criteria: ACMG Guidelines, 2015. Collection method: clinical testing. Allele origin: germline.

Women's Health and Genetics/Laboratory Corporation of America, LabCorp
Classification: Likely benign. Last evaluated: 2019-07-20. Review status: criteria provided, single submitter. Criteria: LabCorp Variant Classification Summary - May 2015. Collection method: clinical testing. Allele origin: germline.

GeneDx
Classification: Benign. Last evaluated: 2015-06-02. Review status: criteria provided, single submitter. Criteria: GeneDx Variant Classification (06012015). Collection method: clinical testing. Allele origin: germline. Affected: yes.
Comment: This variant is considered likely benign or benign based on one or more of the following criteria: it is a conservative change, it occurs at a poorly conserved position in the protein, it is predicted to be benign by multiple in silico algorithms, and/or has population frequency not consistent with disease.

Ambry Genetics
Classification: Likely benign for Hereditary cancer-predisposing syndrome. Last evaluated: 2014-09-09. Review status: criteria provided, single submitter. Criteria: Ambry Variant Classification Scheme 2023. Collection method: clinical testing. Allele origin: germline.

Literature cited by the submitters: PubMed 26787654 (cited by Quest Diagnostics Nichols Institute San Juan Capistrano).

NM_002485.5(NBN):c.426T>C (p.Asn142=)

Gene: NBN (nibrin; minus strand). Cytogenetic location: 8q21.3.
Variant type: single nucleotide variant.
Coding change: c.426T>C on transcript NM_002485.5 (MANE Select); coding-DNA position 426, T replaced by C.
Protein change: p.Asn142=; no amino-acid change (asparagine 142 retained).
Molecular consequence: synonymous variant.
Genome position (GRCh38, 1-based): chr8:89,980,788, A>G on the plus strand (T>C on the coding strand, the complement: NBN is on the minus strand). VCF-style: chr8-89980788-A-G. GRCh37 (hg19) VCF-style: chr8-90993016-A-G.
Other names: c.180T>C, p.Asn60= (NM_001024688.3).
Identifiers: ClinVar variation 184528 (VCV000184528.25), dbSNP rs143070291, ClinGen allele CA189208.